The following is an entry in ClinVar:

ClinVar aggregate classification (germline): Uncertain significance (1 of 4 stars; one submission).

Conditions:
Charcot-Marie-Tooth disease type 4. Also called: Charcot-Marie-Tooth, Type 4; Charcot-Marie-Tooth disease, type IV. Identifiers: Orphanet 64749, MedGen C4082197, MONDO:0018995.

Allele frequency attached by ClinVar (database versions not stated): gnomAD exomes below 0.00001; ExAC 0.00001.
gnomAD v4.1: 3 of 1,612,932 alleles (0.00019%); highest among the groups gnomAD compares: South Asian, 0.0033%; no homozygotes.

Submission:

Labcorp Genetics (formerly Invitae), Labcorp
Classification: Uncertain significance for Charcot-Marie-Tooth disease type 4. Last evaluated: 2021-08-30. Review status: criteria provided, single submitter. Criteria: Invitae Variant Classification Sherloc (09022015). Collection method: clinical testing. Allele origin: germline.
Comment: This sequence change replaces alanine with threonine at codon 329 of the PRX protein (p.Ala329Thr). The alanine residue is highly conserved and there is a small physicochemical difference between alanine and threonine. This variant is present in population databases (rs745593860, ExAC 0.006%). This variant has not been reported in the literature in individuals affected with PRX-related conditions. Algorithms developed to predict the effect of missense changes on protein structure and function are either unavailable or do not agree on the potential impact of this missense change (SIFT: "Tolerated"; PolyPhen-2: "Possibly Damaging"; Align-GVGD: "Class C0"). In summary, the available evidence is currently insufficient to determine the role of this variant in disease. Therefore, it has been classified as a Variant of Uncertain Significance.

NM_181882.3(PRX):c.985G>A (p.Ala329Thr)

Gene: PRX (periaxin; minus strand). Cytogenetic location: 19q13.2.
Variant type: single nucleotide variant.
Coding change: c.985G>A on transcript NM_181882.3 (MANE Select); coding-DNA position 985, G replaced by A.
Protein change: p.Ala329Thr; replaces alanine 329 with threonine.
Molecular consequence: missense variant. On other transcripts: 3 prime UTR variant (1).
Genome position (GRCh38, 1-based): chr19:40,397,367, C>T on the plus strand (G>A on the coding strand, the complement: PRX is on the minus strand). VCF-style: chr19-40397367-C-T. GRCh37 (hg19) VCF-style: chr19-40903274-C-T.
Other names: c.*1190G>A (NM_020956.2); short protein forms A329T.
Identifiers: ClinVar variation 1005002 (VCV001005002.6), dbSNP rs745593860, ClinGen allele CA9444346.